The following is an entry in ClinVar:

NM_007294.4(BRCA1):c.5175A>T (p.Glu1725Asp)

Gene: BRCA1 (BRCA1 DNA repair associated; minus strand). Cytogenetic location: 17q21.31.
Variant type: single nucleotide variant.
Coding change: c.5175A>T on transcript NM_007294.4 (MANE Select); coding-DNA position 5175, A replaced by T.
Protein change: p.Glu1725Asp; replaces glutamic acid 1725 with aspartic acid.
Molecular consequence: missense variant. On other transcripts: non-coding transcript variant (1).
Genome position (GRCh38, 1-based): chr17:43,063,351, T>A on the plus strand (A>T on the coding strand, the complement: BRCA1 is on the minus strand). VCF-style: chr17-43063351-T-A. GRCh37 (hg19) VCF-style: chr17-41215368-T-A.
Other names: c.1719A>T, p.Glu573Asp (NM_001408469.1, NM_001408470.1, NM_001408468.1); c.1863A>T, p.Glu621Asp (NM_001408472.1, NM_007298.4, NM_007299.4 and 13 more transcripts); c.1860A>T, p.Glu620Asp (NM_001408473.1, NM_001408392.1, NM_001408396.1 and 8 more transcripts); c.1665A>T, p.Glu555Asp (NM_001408474.1); c.1662A>T, p.Glu554Asp (NM_001408475.1, NM_001408476.1); c.1653A>T, p.Glu551Asp (NM_001408491.1, NM_001408481.1, NM_001408482.1 and 5 more transcripts); c.1650A>T, p.Glu550Asp (NM_001408492.1, NM_001408493.1); c.1626A>T, p.Glu542Asp (NM_001408494.1); and 72 more; short protein forms E1678D, E1725D, E1746D, E621D, E1571D, E1596D, E1613D, E1656D.
Identifiers: ClinVar variation 868773 (VCV000868773.3), dbSNP rs191373374, ClinGen allele CA10591193.

Conditions:
Breast-ovarian cancer, familial, susceptibility to, 1 (BROVCA1). Also called: BRCA1 Hereditary Breast and Ovarian Cancer; OVARIAN CANCER, SUSCEPTIBILITY TO. Identifiers: Orphanet 145, MedGen C2676676, MONDO:0011450, OMIM 604370. Disease mechanism: loss of function.

Submission:

Brotman Baty Institute, University of Washington
No classification provided (evidence only). Condition: Breast-ovarian cancer, familial 1. Review status: no classification provided. Collection method: in vitro. Allele origin: not applicable. Functional consequence: functionally_normal.
ClinVar note: "not provided" was previously submitted as the classification for the variant. However, the classification appeared to be based only on an observation of functional data so it was converted to no classification on 2025-07-30.